The following is an entry in ClinVar:

ClinVar aggregate classification (germline): Uncertain significance (1 of 4 stars; one submission).

Submission:

Labcorp Genetics (formerly Invitae), Labcorp
Classification: Uncertain significance. Last evaluated: 2021-02-17. Review status: criteria provided, single submitter. Criteria: Invitae Variant Classification Sherloc (09022015). Collection method: clinical testing. Allele origin: germline.
Comment: This variant has not been reported in the literature in individuals with NR2F1-related conditions. In summary, the available evidence is currently insufficient to determine the role of this variant in disease. Therefore, it has been classified as a Variant of Uncertain Significance. This sequence change creates a premature translational stop signal (p.Val391Serfs*4) in the NR2F1 gene. While this is not anticipated to result in nonsense mediated decay, it is expected to disrupt the last 33 amino acid(s) of the NR2F1 protein. This variant is not present in population databases (ExAC no frequency).

NM_005654.6(NR2F1):c.1171del (p.Val391fs)

Gene: NR2F1 (nuclear receptor subfamily 2 group F member 1; plus strand). Cytogenetic location: 5q15.
Variant type: Deletion.
Coding change: c.1171del on transcript NM_005654.6 (MANE Select); coding-DNA position 1171, one base deleted (G; older notation c.1171delG).
Protein change: p.Val391fs; shifts the reading frame from valine 391.
Molecular consequence: frameshift variant.
Genome position (GRCh38, 1-based): chr5:93,593,741, G deleted. VCF-style (leftmost placement, unchanged base first): chr5-93593740-CG-C. GRCh37 (hg19) VCF-style: chr5-92929446-CG-C.
Other names: short protein forms V391fs.
Identifiers: ClinVar variation 1525453 (VCV001525453.8), dbSNP rs2149946118, ClinGen allele CA2573140116.